The following is an entry in ClinVar:

ClinVar aggregate classification (germline): Uncertain significance (1 of 4 stars; one submission).

Conditions:
DiGeorge syndrome. Also called: THIRD AND FOURTH PHARYNGEAL POUCH SYNDROME; Catch22. Identifiers: Orphanet 567, MedGen C0012236, MONDO:0008564, OMIM 188400.

gnomAD v4.1: 2 of 1,509,302 alleles (0.00013%); highest among the groups gnomAD compares: East Asian, 0.0028%; no homozygotes.

Submission:

Labcorp Genetics (formerly Invitae), Labcorp
Classification: Uncertain significance for DiGeorge syndrome. Last evaluated: 2024-11-04. Review status: criteria provided, single submitter. Criteria: Invitae Variant Classification Sherloc (09022015). Collection method: clinical testing. Allele origin: germline.
Comment: This sequence change replaces glutamic acid, which is acidic and polar, with alanine, which is neutral and non-polar, at codon 409 of the TBX1 protein (p.Glu409Ala). This variant is present in population databases (rs745858331, gnomAD 0.01%). This variant has not been reported in the literature in individuals affected with TBX1-related conditions. An algorithm developed to predict the effect of missense changes on protein structure and function (PolyPhen-2) suggests that this variant is likely to be disruptive. In summary, the available evidence is currently insufficient to determine the role of this variant in disease. Therefore, it has been classified as a Variant of Uncertain Significance.

NM_001379200.1(TBX1):c.1253A>C (p.Glu418Ala)

Gene: TBX1 (T-box transcription factor 1; plus strand). Cytogenetic location: 22q11.21.
Variant type: single nucleotide variant.
Coding change: c.1253A>C on transcript NM_001379200.1 (MANE Select); coding-DNA position 1253, A replaced by C.
Protein change: p.Glu418Ala; replaces glutamic acid 418 with alanine.
Molecular consequence: missense variant. On other transcripts: intron variant (2).
Genome position (GRCh38, 1-based): chr22:19,766,605, A>C. VCF-style: chr22-19766605-A-C. GRCh37 (hg19) VCF-style: chr22-19754128-A-C.
Other names: c.1226A>C, p.Glu409Ala (NM_080647.1); c.1009+603A>C (NM_005992.1, NM_080646.2); short protein forms E409A, E418A.
Identifiers: ClinVar variation 3635574 (VCV003635574.2).